The following is an entry in ClinVar:

ClinVar aggregate classification (germline): Likely benign. Review status: criteria provided, multiple submitters, no conflicts (2 of 4 stars). 4 submissions from 4 submitters: Likely benign (3). 1 of the submissions does not count toward it. Last evaluated 2026-02-01.

Conditions:
PGM1-related disorder. Also called: PGM1-related condition; PGM1-related disorders.
PGM1-congenital disorder of glycosylation. Also called: PHOSPHOGLUCOMUTASE 1 DEFICIENCY; PGM1 DEFICIENCY; GLYCOGEN STORAGE DISEASE XIV; GSD XIV; Congenital disorder of glycosylation type 1t; CDG It. Identifiers: Orphanet 319646, MedGen C2752015, MONDO:0013968, OMIM 614921.

Allele frequency attached by ClinVar (database versions not stated): TOPMed 0.00004; gnomAD 0.00010; ESP Exome Variant Server 0.00015.
gnomAD v4.1: 50 of 1,613,976 alleles (0.0031%); highest among the groups gnomAD compares: South Asian, 0.012%; no homozygotes.

Submissions (4):

CeGaT Center for Human Genetics Tuebingen
Classification: Likely benign. Last evaluated: 2026-02-01. Review status: criteria provided, single submitter. Criteria: CeGaT Center For Human Genetics Tuebingen Variant Classification Criteria Version 2. Collection method: clinical testing. Allele origin: germline. Affected: yes. Observed: 1 variant allele.
Comment: PGM1: BP4, BP7

Labcorp Genetics (formerly Invitae), Labcorp
Classification: Likely benign for PGM1-congenital disorder of glycosylation. Last evaluated: 2025-07-06. Review status: criteria provided, single submitter. Criteria: Invitae Variant Classification Sherloc (09022015). Collection method: clinical testing. Allele origin: germline.

GeneDx
Classification: Likely benign. Last evaluated: 2017-08-15. Review status: criteria provided, single submitter. Criteria: GeneDx Variant Classification (06012015). Collection method: clinical testing. Allele origin: germline. Affected: yes.
Comment: This variant is considered likely benign or benign based on one or more of the following criteria: it is a conservative change, it occurs at a poorly conserved position in the protein, it is predicted to be benign by multiple in silico algorithms, and/or has population frequency not consistent with disease.

PreventionGenetics, part of Exact Sciences
Classification: Likely benign for PGM1-related condition. Last evaluated: 2019-04-29. Review status: no assertion criteria provided. Collection method: clinical testing. Allele origin: germline. Not counted in ClinVar's aggregate classification.
Comment: This variant is classified as likely benign based on ACMG/AMP sequence variant interpretation guidelines (Richards et al. 2015 PMID: 25741868, with internal and published modifications).

NM_002633.3(PGM1):c.963G>A (p.Pro321=)

Gene: PGM1 (phosphoglucomutase 1; plus strand). Cytogenetic location: 1p31.3.
Variant type: single nucleotide variant.
Coding change: c.963G>A on transcript NM_002633.3 (MANE Select); coding-DNA position 963, G replaced by A.
Protein change: p.Pro321=; no amino-acid change (proline 321 retained).
Molecular consequence: synonymous variant.
Genome position (GRCh38, 1-based): chr1:63,636,323, G>A. VCF-style: chr1-63636323-G-A. GRCh37 (hg19) VCF-style: chr1-64101994-G-A.
Other names: c.1017G>A, p.Pro339= (NM_001172818.1); c.372G>A, p.Pro124= (NM_001172819.2).
Identifiers: ClinVar variation 511203 (VCV000511203.10), dbSNP rs373693932, ClinGen allele CA889669.
Genomic context (GRCh38, chr1:63,636,323, plus strand): 5'-GTTCTTTGTGAACCCTTCAGACTCTGTGGCTGTCATTGCTGCCAACATCTTCAGCATTCC[G>A]TATTTCCAGCAGACTGGGGTCCGCGGCTTTGCACGGAGCATGCCCACGAGTGGTGCTCTG-3'
Protein context (NP_002624.2, residues 311-331): AVIAANIFSI[Pro321=]YFQQTGVRGF